The following is an entry in ClinVar:

ClinVar aggregate classification (germline): Uncertain significance (1 of 4 stars; one submission).

Conditions:
Developmental and epileptic encephalopathy 6B. Also called: Developmental and epileptic encephalopathy 6B, non-Dravet. Identifiers: MedGen C5543353, MONDO:0030268, OMIM 619317.

Submission:

3billion
Classification: Uncertain significance for Developmental and epileptic encephalopathy 6B. Last evaluated: 2022-01-03. Review status: criteria provided, single submitter. Criteria: ACMG Guidelines, 2015. Collection method: clinical testing. Allele origin: germline. Affected: yes. Observed: 1 heterozygote.
Comment: The variant not observed in the gnomAD v2.1.1 dataset (PM2_M). In silico tool predictions suggest damaging effect of the variant on gene or gene product (REVEL: 0.891, PP3_P). Therefore, this variant is classified as uncertain significance according to the recommendation of ACMG/AMP guideline.

NM_001165963.4(SCN1A):c.1468A>C (p.Ser490Arg)

Gene: SCN1A (sodium voltage-gated channel alpha subunit 1; minus strand). Cytogenetic location: 2q24.3.
Variant type: single nucleotide variant.
Coding change: c.1468A>C on transcript NM_001165963.4 (MANE Select); coding-DNA position 1468, A replaced by C.
Protein change: p.Ser490Arg; replaces serine 490 with arginine.
Molecular consequence: missense variant. On other transcripts: 5 prime UTR variant (1), non-coding transcript variant (1).
Genome position (GRCh38, 1-based): chr2:166,045,237, T>G on the plus strand (A>C on the coding strand, the complement: SCN1A is on the minus strand). VCF-style: chr2-166045237-T-G. GRCh37 (hg19) VCF-style: chr2-166901747-T-G.
Other names: c.1468A>C, p.Ser490Arg (NM_001165964.3, NM_001202435.3, NM_001353948.2 and 7 more transcripts); c.1465A>C, p.Ser489Arg (NM_001353954.2, NM_001353955.2, NM_001353960.2); c.-958A>C (NM_001353961.2); short protein forms S489R, S490R.
Identifiers: ClinVar variation 1333270 (VCV001333270.1), dbSNP rs2105852041, ClinGen allele CA349069698.